The following is an entry in ClinVar:

ClinVar aggregate classification (germline): Uncertain significance (1 of 4 stars; one submission).

Conditions:
Mowat-Wilson syndrome (MOWS). Also called: Classic Mowat-Wilson Syndrome. Identifiers: Orphanet 2152, MedGen C1856113, MONDO:0009341, OMIM 235730.

Submission:

Labcorp Genetics (formerly Invitae), Labcorp
Classification: Uncertain significance for Mowat-Wilson syndrome. Last evaluated: 2024-09-16. Review status: criteria provided, single submitter. Criteria: Invitae Variant Classification Sherloc (09022015). Collection method: clinical testing. Allele origin: germline.
Comment: This sequence change replaces threonine, which is neutral and polar, with alanine, which is neutral and non-polar, at codon 791 of the ZEB2 protein (p.Thr791Ala). This variant is not present in population databases (gnomAD no frequency). This variant has not been reported in the literature in individuals affected with ZEB2-related conditions. Invitae Evidence Modeling of protein sequence and biophysical properties (such as structural, functional, and spatial information, amino acid conservation, physicochemical variation, residue mobility, and thermodynamic stability) indicates that this missense variant is not expected to disrupt ZEB2 protein function with a negative predictive value of 80%. In summary, the available evidence is currently insufficient to determine the role of this variant in disease. Therefore, it has been classified as a Variant of Uncertain Significance.

NM_014795.4(ZEB2):c.2371A>G (p.Thr791Ala)

Gene: ZEB2 (zinc finger E-box binding homeobox 2; minus strand). Cytogenetic location: 2q22.3.
Variant type: single nucleotide variant.
Coding change: c.2371A>G on transcript NM_014795.4 (MANE Select); coding-DNA position 2371, A replaced by G.
Protein change: p.Thr791Ala; replaces threonine 791 with alanine.
Molecular consequence: missense variant.
Genome position (GRCh38, 1-based): chr2:144,398,816, T>C on the plus strand (A>G on the coding strand, the complement: ZEB2 is on the minus strand). VCF-style: chr2-144398816-T-C. GRCh37 (hg19) VCF-style: chr2-145156383-T-C.
Other names: c.2299A>G, p.Thr767Ala (NM_001171653.2); short protein forms T791A, T767A.
Identifiers: ClinVar variation 3711034 (VCV003711034.2).